The following is an entry in ClinVar:

ClinVar aggregate classification (germline): Conflicting classifications of pathogenicity. Review status: criteria provided, conflicting classifications (1 of 4 stars). 3 submissions from 3 submitters: Uncertain significance (2); Likely benign (1). Last evaluated 2026-02-13.

Conditions:
Familial cancer of breast. Also called: BREAST CANCER, FAMILIAL; hereditary breast carcinoma; Hereditary breast cancer. Identifiers: Orphanet 227535, MedGen C0346153, MONDO:0016419, OMIM 114480. Disease mechanism: loss of function.
Hereditary cancer-predisposing syndrome. Also called: Hereditary Cancer Syndrome; Neoplastic Syndromes, Hereditary; Tumor predisposition; Hereditary neoplastic syndrome. Identifiers: Orphanet 140162, MedGen C0027672, MeSH D009386, MONDO:0015356.

Allele frequency attached by ClinVar (database versions not stated): gnomAD exomes below 0.00001; ExAC 0.00001.
gnomAD v4.1: 1 of 1,612,560 alleles (0.000062%); highest among the groups gnomAD compares: South Asian, 0.0011%; no homozygotes.

Submissions (3):

Ambry Genetics
Classification: Likely benign for Hereditary cancer-predisposing syndrome. Last evaluated: 2026-02-13. Review status: criteria provided, single submitter. Criteria: Ambry Variant Classification Scheme 2023. Collection method: clinical testing. Allele origin: germline.

GeneDx
Classification: Uncertain significance. Last evaluated: 2022-08-30. Review status: criteria provided, single submitter. Criteria: GeneDx Variant Classification Process June 2021. Collection method: clinical testing. Allele origin: germline. Affected: yes.
Comment: Not observed at significant frequency in large population cohorts (gnomAD); In silico analysis supports that this missense variant does not alter protein structure/function; Has not been previously published as pathogenic or benign to our knowledge

Labcorp Genetics (formerly Invitae), Labcorp
Classification: Uncertain significance for Familial cancer of breast. Last evaluated: 2021-12-02. Review status: criteria provided, single submitter. Criteria: Invitae Variant Classification Sherloc (09022015). Collection method: clinical testing. Allele origin: germline.
Comment: This sequence change replaces histidine, which is basic and polar, with arginine, which is basic and polar, at codon 567 of the PALB2 protein (p.His567Arg). This variant is present in population databases (rs765722926, gnomAD 0.003%). This variant has not been reported in the literature in individuals affected with PALB2-related conditions. ClinVar contains an entry for this variant (Variation ID: 1002604). Algorithms developed to predict the effect of missense changes on protein structure and function output the following: SIFT: "Tolerated"; PolyPhen-2: "Benign"; Align-GVGD: "Class C0". The arginine amino acid residue is found in multiple mammalian species, which suggests that this missense change does not adversely affect protein function. In summary, the available evidence is currently insufficient to determine the role of this variant in disease. Therefore, it has been classified as a Variant of Uncertain Significance.

NM_024675.4(PALB2):c.1700A>G (p.His567Arg)

Gene: PALB2 (partner and localizer of BRCA2; minus strand). Cytogenetic location: 16p12.2.
Variant type: single nucleotide variant.
Coding change: c.1700A>G on transcript NM_024675.4 (MANE Select); coding-DNA position 1700, A replaced by G.
Protein change: p.His567Arg; replaces histidine 567 with arginine.
Molecular consequence: missense variant.
Genome position (GRCh38, 1-based): chr16:23,630,454, T>C on the plus strand (A>G on the coding strand, the complement: PALB2 is on the minus strand). VCF-style: chr16-23630454-T-C. GRCh37 (hg19) VCF-style: chr16-23641775-T-C.
Other names: c.1700A>G (NM_024675.3); short protein forms H567R.
Identifiers: ClinVar variation 1002604 (VCV001002604.9), dbSNP rs765722926, ClinGen allele CA7963667.
Genomic context (GRCh38, chr16:23,630,454, plus strand): 5'-GCATCATCATCCAAGGATAAATAAGCACTATTACTCCAAGAAAGGGAATCCTCTTTTTGA[T>C]GACGACTTTTCTTCCCTAAAGAAGAAAAATAAGTCACAAAATAGTAACAAAACCCAACAA-3'
Protein context (NP_078951.2, residues 557-577): FIQVKGKKSR[His567Arg]QKEDSLSWSN